The following is an entry in ClinVar:

NM_016222.4(DDX41):c.1631T>G (p.Val544Gly)

Gene: DDX41 (DEAD-box helicase 41; minus strand). Cytogenetic location: 5q35.3.
Variant type: single nucleotide variant.
Coding change: c.1631T>G on transcript NM_016222.4 (MANE Select); coding-DNA position 1631, T replaced by G.
Protein change: p.Val544Gly; replaces valine 544 with glycine.
Molecular consequence: missense variant.
Genome position (GRCh38, 1-based): chr5:177,512,197, A>C on the plus strand (T>G on the coding strand, the complement: DDX41 is on the minus strand). VCF-style: chr5-177512197-A-C. GRCh37 (hg19) VCF-style: chr5-176939198-A-C.
Other names: c.1253T>G, p.Val418Gly (NM_001321732.2, NM_001321830.2); short protein forms V418G, V544G.
Identifiers: ClinVar variation 3839004 (VCV003839004.1).

ClinVar aggregate classification (germline): Uncertain significance (1 of 4 stars; one submission).

Conditions:
Inborn genetic diseases. Identifiers: MedGen C0950123, MeSH D030342.

gnomAD v4.1: 1 of 1,613,742 alleles (0.000062%); highest among the groups gnomAD compares: South Asian, 0.0011%; no homozygotes.

Submission:

Ambry Genetics
Classification: Uncertain significance for Inborn genetic diseases. Last evaluated: 2025-01-17. Review status: criteria provided, single submitter. Criteria: Ambry Variant Classification Scheme 2023. Collection method: clinical testing. Allele origin: germline.
Comment: The p.V544G variant (also known as c.1631T>G), located in coding exon 16 of the DDX41 gene, results from a T to G substitution at nucleotide position 1631. The valine at codon 544 is replaced by glycine, an amino acid with dissimilar properties. This amino acid position is conserved. In addition, this alteration is predicted to be deleterious by in silico analysis. Based on the available evidence, the clinical significance of this variant remains unclear.